The following is an entry in ClinVar:

NM_012414.4(RAB3GAP2):c.2890G>C (p.Asp964His)

Gene: RAB3GAP2 (RAB3 GTPase activating non-catalytic protein subunit 2; minus strand). Cytogenetic location: 1q41.
Variant type: single nucleotide variant.
Coding change: c.2890G>C on transcript NM_012414.4 (MANE Select); coding-DNA position 2890, G replaced by C.
Protein change: p.Asp964His; replaces aspartic acid 964 with histidine.
Molecular consequence: missense variant.
Genome position (GRCh38, 1-based): chr1:220,167,592, C>G on the plus strand (G>C on the coding strand, the complement: RAB3GAP2 is on the minus strand). VCF-style: chr1-220167592-C-G. GRCh37 (hg19) VCF-style: chr1-220340934-C-G.
Other names: short protein forms D964H.
Identifiers: ClinVar variation 383711 (VCV000383711.1), dbSNP rs774456466, ClinGen allele CA1402318.

ClinVar aggregate classification (germline): Likely benign (1 of 4 stars; one submission).

Allele frequency attached by ClinVar (database versions not stated): gnomAD 0.00001; ExAC 0.00006; 1000 Genomes Project 30x 0.00016.
gnomAD v4.1: 33 of 1,614,168 alleles (0.002%); highest among the groups gnomAD compares: South Asian, 0.032%; no homozygotes.

Submission:

GeneDx
Classification: Likely benign. Last evaluated: 2016-02-24. Review status: criteria provided, single submitter. Criteria: GeneDx Variant Classification (06012015). Collection method: clinical testing. Allele origin: germline. Affected: yes.
Comment: This variant is considered likely benign or benign based on one or more of the following criteria: it is a conservative change, it occurs at a poorly conserved position in the protein, it is predicted to be benign by multiple in silico algorithms, and/or has population frequency not consistent with disease.